The following is an entry in ClinVar:

ClinVar aggregate classification (germline): Uncertain significance (1 of 4 stars; one submission).

Allele frequency attached by ClinVar (database versions not stated): gnomAD 0.00014; TOPMed 0.00017; gnomAD exomes 0.00009; 1000 Genomes Project 30x 0.00016; 1000 Genomes Project 0.00020; ExAC 0.00003.
gnomAD v4.1: 155 of 1,611,068 alleles (0.0096%); highest among the groups gnomAD compares: Middle Eastern, 0.066%; no homozygotes.

Submission:

Ambry Genetics
Classification: Uncertain significance. Last evaluated: 2026-05-05. Review status: criteria provided, single submitter. Criteria: Ambry Variant Classification Scheme 2023. Collection method: clinical testing. Allele origin: germline.
Comment: The c.2875G>A (p.E959K) alteration is located in exon 2 (coding exon 1) of the XIRP1 gene. This alteration results from a G to A substitution at nucleotide position 2875, causing the glutamic acid (E) at amino acid position 959 to be replaced by a lysine (K). Based on data from gnomAD, the A allele has an overall frequency of 0.01% (27/280224) total alleles studied. The highest observed frequency was 0.042% (3/7174) of Other alleles. Based on insufficient or conflicting evidence, the clinical significance of this alteration remains unclear.

NM_194293.4(XIRP1):c.2875G>A (p.Glu959Lys)

Gene: XIRP1 (xin actin binding repeat containing 1; minus strand). Cytogenetic location: 3p22.2.
Variant type: single nucleotide variant.
Coding change: c.2875G>A on transcript NM_194293.4 (MANE Select); coding-DNA position 2875, G replaced by A.
Protein change: p.Glu959Lys; replaces glutamic acid 959 with lysine.
Molecular consequence: missense variant. On other transcripts: intron variant (1).
Genome position (GRCh38, 1-based): chr3:39,186,571, C>T on the plus strand (G>A on the coding strand, the complement: XIRP1 is on the minus strand). VCF-style: chr3-39186571-C-T. GRCh37 (hg19) VCF-style: chr3-39228062-C-T.
Other names: c.2875G>A, p.Glu959Lys (NM_001198621.4); c.-167-910G>A (NM_001351377.2); short protein forms E959K.
Identifiers: ClinVar variation 3191021 (VCV003191021.2), dbSNP rs201274945, ClinGen allele CA2326160.
Genomic context (GRCh38, chr3:39,186,571, plus strand): 5'-TGGGGTCCAGTGGGGGAACATGGATGATGCTCTCAGTTGGGTGCAGGCTCTGGGCCCCCT[C>T]GCTGGCTGGCACTGGACTCGGGTCAGCCGGGGGCTCCCACCGCAGACTGTGCAGGCCACT-3'
Protein context (NP_919269.2, residues 949-969): PADPSPVPAS[Glu959Lys]GAQSLHPTES